The following is an entry in ClinVar:

NM_000368.5(TSC1):c.975G>A (p.Gln325=)

Gene: TSC1 (TSC complex subunit 1; minus strand). Cytogenetic location: 9q34.13.
Variant type: single nucleotide variant.
Coding change: c.975G>A on transcript NM_000368.5 (MANE Select); coding-DNA position 975, G replaced by A.
Protein change: p.Gln325=; no amino-acid change (glutamine 325 retained).
Molecular consequence: synonymous variant.
Genome position (GRCh38, 1-based): chr9:132,911,507, C>T on the plus strand (G>A on the coding strand, the complement: TSC1 is on the minus strand). VCF-style: chr9-132911507-C-T. GRCh37 (hg19) VCF-style: chr9-135786894-C-T.
Other names: c.975G>A, p.Gln325= (NM_001162426.2); c.822G>A, p.Gln274= (NM_001162427.2); c.612G>A, p.Gln204= (NM_001362177.2).
Identifiers: ClinVar variation 1552545 (VCV001552545.11), dbSNP rs1554817398, ClinGen allele CA467593471.

ClinVar aggregate classification (germline): Benign/Likely benign. Review status: criteria provided, multiple submitters, no conflicts (2 of 4 stars). 3 submissions from 3 submitters: Benign (1); Likely benign (2). Last evaluated 2025-04-09.

Conditions:
Tuberous sclerosis 1 (TSC1). Identifiers: Orphanet 805, MedGen C1854465, MONDO:0008612, OMIM 191100.
Hereditary cancer-predisposing syndrome. Also called: Neoplastic Syndromes, Hereditary; Tumor predisposition; Hereditary neoplastic syndrome; Hereditary Cancer Syndrome. Identifiers: Orphanet 140162, MedGen C0027672, MeSH D009386, MONDO:0015356.

Submissions (3):

Myriad Genetics, Inc.
Classification: Benign for Tuberous sclerosis 1. Last evaluated: 2025-04-09. Review status: criteria provided, single submitter. Criteria: Myriad Autosomal Dominant, Autosomal Recessive and X-Linked Classification Criteria (2023). Collection method: clinical testing. Allele origin: unknown.
Comment: This variant is considered benign. This variant is a silent/synonymous amino acid change and it is not expected to impact splicing.

Labcorp Genetics (formerly Invitae), Labcorp
Classification: Likely benign for Tuberous sclerosis 1. Last evaluated: 2022-02-19. Review status: criteria provided, single submitter. Criteria: Invitae Variant Classification Sherloc (09022015). Collection method: clinical testing. Allele origin: germline.

Ambry Genetics
Classification: Likely benign for Hereditary cancer-predisposing syndrome. Last evaluated: 2020-08-10. Review status: criteria provided, single submitter. Criteria: Ambry Variant Classification Scheme 2023. Collection method: clinical testing. Allele origin: germline.